The following is an entry in ClinVar:

NM_006269.2(RP1):c.3515T>C (p.Ile1172Thr)

Gene: RP1 (RP1 axonemal microtubule associated; plus strand). Cytogenetic location: 8q12.1.
Variant type: single nucleotide variant.
Coding change: c.3515T>C on transcript NM_006269.2 (MANE Select); coding-DNA position 3515, T replaced by C.
Protein change: p.Ile1172Thr; replaces isoleucine 1172 with threonine.
Molecular consequence: missense variant. On other transcripts: intron variant (1).
Genome position (GRCh38, 1-based): chr8:54,627,397, T>C. VCF-style: chr8-54627397-T-C. GRCh37 (hg19) VCF-style: chr8-55539957-T-C.
Other names: c.787+5109T>C (NM_001375654.1); short protein forms I1172T.
Identifiers: ClinVar variation 2806598 (VCV002806598.3), dbSNP rs971008303, ClinGen allele CA177237668.
Genomic context (GRCh38, chr8:54,627,397, plus strand): 5'-AGGCTACCAACAAATCTTCAGAAACACTTGCATTGTTGGAGATTCTAAAGCACATAGCTA[T>C]CACAGAGGAAGCTGATGACTTGAAAGCTGCTGTTGCCAATTTAGTGGAGTCAACTACAAG-3'
Protein context (NP_006260.1, residues 1162-1182): ALLEILKHIA[Ile1172Thr]TEEADDLKAA

ClinVar aggregate classification (germline): Uncertain significance (1 of 4 stars; one submission).

Submission:

Labcorp Genetics (formerly Invitae), Labcorp
Classification: Uncertain significance. Last evaluated: 2025-12-08. Review status: criteria provided, single submitter. Criteria: Invitae Variant Classification Sherloc (09022015). Collection method: clinical testing. Allele origin: germline.
Comment: This sequence change replaces isoleucine, which is neutral and non-polar, with threonine, which is neutral and polar, at codon 1172 of the RP1 protein (p.Ile1172Thr). This variant is not present in population databases (gnomAD no frequency). This variant has not been reported in the literature in individuals affected with RP1-related conditions. ClinVar contains an entry for this variant (Variation ID: 2806598). An algorithm developed to predict the effect of missense changes on protein structure and function (PolyPhen-2) suggests that this variant is likely to be disruptive. In summary, the available evidence is currently insufficient to determine the role of this variant in disease. Therefore, it has been classified as a Variant of Uncertain Significance.